The following is an entry in ClinVar:

ClinVar aggregate classification (germline): Pathogenic (1 of 4 stars; one submission).

Allele frequency attached by ClinVar (database versions not stated): gnomAD exomes below 0.00001.

Submission:

Labcorp Genetics (formerly Invitae), Labcorp
Classification: Pathogenic. Last evaluated: 2025-03-30. Review status: criteria provided, single submitter. Criteria: Invitae Variant Classification Sherloc (09022015). Collection method: clinical testing. Allele origin: germline.
Comment: This sequence change creates a premature translational stop signal (p.Ser162Glufs*8) in the CFAP410 gene. It is expected to result in an absent or disrupted protein product. Loss-of-function variants in CFAP410 are known to be pathogenic (PMID: 23105016, 26167768). This variant is not present in population databases (gnomAD no frequency). This variant has not been reported in the literature in individuals affected with CFAP410-related conditions. ClinVar contains an entry for this variant (Variation ID: 1970853). For these reasons, this variant has been classified as Pathogenic.

Literature cited by the submitters: PubMed 23105016; PubMed 26167768.

NM_004928.3(CFAP410):c.482dup (p.Ser162fs)

Gene: CFAP410 (cilia and flagella associated protein 410; minus strand). Cytogenetic location: 21q22.3.
Variant type: Duplication.
Coding change: c.482dup on transcript NM_004928.3 (MANE Select); coding-DNA position 482, one base duplicated (T; older notation c.482dupT).
Protein change: p.Ser162fs; shifts the reading frame from serine 162.
Molecular consequence: frameshift variant.
Genome position (GRCh38, 1-based): chr21:44,331,906, A duplicated on the plus strand (T on the coding strand, the reverse complement: CFAP410 is on the minus strand). VCF-style (leftmost placement, unchanged base first): chr21-44331905-C-CA. GRCh37 (hg19) VCF-style: chr21-45751788-C-CA.
Other names: c.482dup, p.Ser162fs (NM_001271440.2, NM_001271441.2); c.359dup, p.Ser121fs (NM_001271442.1); short protein forms S162fs, S121fs.
Identifiers: ClinVar variation 1970853 (VCV001970853.5), dbSNP rs2518047556, ClinGen allele CA2540052953.